The following is an entry in ClinVar:

NM_001370259.2(MEN1):c.784-1G>C

Gene: MEN1 (menin 1; minus strand). Cytogenetic location: 11q13.1.
Variant type: single nucleotide variant.
Coding change: c.784-1G>C on transcript NM_001370259.2 (MANE Select); the canonical splice acceptor site of the intron before coding-DNA position 784, G replaced by C.
Molecular consequence: splice acceptor variant.
Genome position (GRCh38, 1-based): chr11:64,807,220, C>G on the plus strand (G>C on the coding strand, the complement: MEN1 is on the minus strand). VCF-style: chr11-64807220-C-G. GRCh37 (hg19) VCF-style: chr11-64574692-C-G.
Other names: c.799-1G>C (NM_130804.3, NM_130803.3, NM_000244.4 and 5 more transcripts); c.679-1G>C (NM_001407148.1, NM_001407149.1, NM_001407151.1 and 2 more transcripts); c.784-1G>C (NM_130799.3, NM_001407144.1, NM_001370260.2 and 7 more transcripts).
Identifiers: ClinVar variation 449445 (VCV000449445.11), dbSNP rs1555165377, ClinGen allele CA381184025.

ClinVar aggregate classification (germline): Pathogenic/Likely pathogenic. Review status: criteria provided, multiple submitters, no conflicts (2 of 4 stars). 2 submissions from 2 submitters: Pathogenic (1); Likely pathogenic (1). Last evaluated 2023-10-04.

Conditions:
Multiple endocrine neoplasia, type 1 (MEN1). Also called: Endocrine adenomatosis multiple; MEN 1; MEN I; WERMER SYNDROME; MEA I. Identifiers: Orphanet 652, MedGen C0025267, MeSH D018761, MONDO:0007540, OMIM 131100.

Submissions (2):

Labcorp Genetics (formerly Invitae), Labcorp
Classification: Likely pathogenic for Multiple endocrine neoplasia, type 1. Last evaluated: 2023-10-04. Review status: criteria provided, single submitter. Criteria: Invitae Variant Classification Sherloc (09022015). Collection method: clinical testing. Allele origin: germline.
Comment: This sequence change affects an acceptor splice site in intron 4 of the MEN1 gene. It is expected to disrupt RNA splicing. Variants that disrupt the donor or acceptor splice site typically lead to a loss of protein function (PMID: 16199547), and loss-of-function variants in MEN1 are known to be pathogenic (PMID: 12112656, 17853334). This variant is not present in population databases (gnomAD no frequency). Disruption of this splice site has been observed in individual(s) with clinical features of multiple endocrine neoplasia type 1 syndrome (PMID: 9683585). This variant is also known as c.894-1G>C. ClinVar contains an entry for this variant (Variation ID: 449445). Algorithms developed to predict the effect of sequence changes on RNA splicing suggest that this variant may disrupt the consensus splice site. In summary, the currently available evidence indicates that the variant is pathogenic, but additional data are needed to prove that conclusively. Therefore, this variant has been classified as Likely Pathogenic.

GeneDx
Classification: Pathogenic. Last evaluated: 2015-11-16. Review status: criteria provided, single submitter. Criteria: GeneDx Variant Classification (06012015). Collection method: clinical testing. Allele origin: germline. Affected: yes.
Comment: The c.784-1 G>C splice site variant in the MEN1 gene has been previously reported as c.894-1 using alternate nomenclature in association with multiple endocrine neoplasia type 1 (Giraud et al., 1998), and is consistent with the diagnosis in this patient. This pathogenic variant destroys the canonical splice acceptor site in intron 4, and is expected to cause abnormal gene splicing. The pathogenic variant was not observed in approximately 6,500 individuals of European and African American ancestry in the NHLBI Exome Sequencing Project, indicating it is not a common benign variant in these populations.

Literature cited by the submitters: PubMed 16199547 (cited by Labcorp Genetics (formerly Invitae), Labcorp); PubMed 12112656 (cited by Labcorp Genetics (formerly Invitae), Labcorp); PubMed 17853334 (cited by Labcorp Genetics (formerly Invitae), Labcorp); PubMed 9683585 (cited by Labcorp Genetics (formerly Invitae), Labcorp).